The following is an entry in ClinVar:

NM_005477.3(HCN4):c.2713_2734dup (p.Lys912fs)

Gene: HCN4 (hyperpolarization activated cyclic nucleotide gated potassium channel 4; minus strand). Cytogenetic location: 15q24.1.
Variant type: Duplication.
Coding change: c.2713_2734dup on transcript NM_005477.3 (MANE Select); coding-DNA positions 2713 to 2734, 22 bases duplicated (GCCGGGTTTGGCCACTTCCACA).
Protein change: p.Lys912fs; shifts the reading frame from lysine 912.
Molecular consequence: frameshift variant.
Genome position (GRCh38, 1-based): chr15:73,323,359-73,323,380, TGTGGAAGTGGCCAAACCCGGC duplicated on the plus strand (GCCGGGTTTGGCCACTTCCACA on the coding strand, the reverse complement: HCN4 is on the minus strand); duplicating any 22 consecutive bases within chr15:73,323,359-73,323,381 gives the same sequence; the c. name uses the placement nearest the transcript's 3' end. VCF-style (leftmost placement, unchanged base first): chr15-73323358-T-TTGTGGAAGTGGCCAAACCCGGC. GRCh37 (hg19) VCF-style: chr15-73615699-T-TTGTGGAAGTGGCCAAACCCGGC.
Other names: short protein forms K912fs.
Identifiers: ClinVar variation 644690 (VCV000644690.8), dbSNP rs1595819839, ClinGen allele CA915946063.

ClinVar aggregate classification (germline): Uncertain significance (1 of 4 stars; one submission).

Conditions:
Brugada syndrome 8 (BRGDA8). Identifiers: Orphanet 130, MedGen C2751083, MONDO:0013148, OMIM 613123.

Submission:

Labcorp Genetics (formerly Invitae), Labcorp
Classification: Uncertain significance for Brugada syndrome 8. Last evaluated: 2018-09-11. Review status: criteria provided, single submitter. Criteria: Invitae Variant Classification Sherloc (09022015). Collection method: clinical testing. Allele origin: germline.
Comment: This sequence change results in a premature translational stop signal in the HCN4 gene (p.Lys912Serfs*67). While this is not anticipated to result in nonsense mediated decay, it is expected to disrupt the last 292 amino acids of the HCN4 protein. This variant is not present in population databases (ExAC no frequency). This variant has not been reported in the literature in individuals with HCN4-related disease. Experimental studies and prediction algorithms are not available for this variant, and the functional significance of the affected amino acid(s) is currently unknown. In summary, the available evidence is currently insufficient to determine the role of this variant in disease. Therefore, it has been classified as a Variant of Uncertain Significance.